The following is an entry in ClinVar:

ClinVar aggregate classification (germline): Likely benign. Review status: criteria provided, multiple submitters, no conflicts (2 of 4 stars). 3 submissions from 3 submitters: Likely benign (2). 1 of the submissions does not count toward it. Last evaluated 2026-01-20.

Conditions:
CSF3R-related disorder. Also called: CSF3R-related condition.
Autosomal recessive severe congenital neutropenia due to CSF3R deficiency. Also called: Neutropenia, severe congenital, 7, autosomal recessive. Identifiers: Orphanet 420702, MedGen C4310764, MONDO:0014865, OMIM 617014.

Allele frequency attached by ClinVar (database versions not stated): gnomAD 0.00006 and 0.00010; gnomAD exomes 0.00007 and 0.00011; TOPMed 0.00008; ExAC 0.00011; 1000 Genomes Project 30x 0.00031; 1000 Genomes Project 0.00040.
gnomAD v4.1: 119 of 1,613,678 alleles (0.0074%); highest among the groups gnomAD compares: East Asian, 0.17%; no homozygotes.

Submissions (3):

Labcorp Genetics (formerly Invitae), Labcorp
Classification: Likely benign for Autosomal recessive severe congenital neutropenia due to CSF3R deficiency. Last evaluated: 2026-01-20. Review status: criteria provided, single submitter. Criteria: Invitae Variant Classification Sherloc (09022015). Collection method: clinical testing. Allele origin: germline.

Blueprint Genetics
Classification: Likely benign. Last evaluated: 2024-03-08. Review status: criteria provided, single submitter. Criteria: ACMG Guidelines, 2015. Collection method: clinical testing. Allele origin: germline.

PreventionGenetics, part of Exact Sciences
Classification: Likely benign for CSF3R-related condition. Last evaluated: 2022-03-01. Review status: no assertion criteria provided. Collection method: clinical testing. Allele origin: germline. Not counted in ClinVar's aggregate classification.
Comment: This variant is classified as likely benign based on ACMG/AMP sequence variant interpretation guidelines (Richards et al. 2015 PMID: 25741868, with internal and published modifications).

NM_000760.4(CSF3R):c.171G>A (p.Pro57=)

Gene: CSF3R (colony stimulating factor 3 receptor; minus strand). Cytogenetic location: 1p34.3.
Variant type: single nucleotide variant.
Coding change: c.171G>A on transcript NM_000760.4 (MANE Select); coding-DNA position 171, G replaced by A.
Protein change: p.Pro57=; no amino-acid change (proline 57 retained).
Molecular consequence: synonymous variant.
Genome position (GRCh38, 1-based): chr1:36,475,567, C>T on the plus strand (G>A on the coding strand, the complement: CSF3R is on the minus strand). VCF-style: chr1-36475567-C-T. GRCh37 (hg19) VCF-style: chr1-36941168-C-T.
Other names: c.171G>A, p.Pro57= (NM_156039.3, NM_172313.3); c.171G>A (NM_000760.3).
Identifiers: ClinVar variation 1132501 (VCV001132501.12), dbSNP rs200847455, ClinGen allele CA769547.